The following is an entry in ClinVar:

ClinVar aggregate classification (germline): Uncertain significance (3 of 4 stars; one submission).

Conditions:
Monogenic diabetes. Identifiers: Orphanet 183625, MedGen C3888631, MONDO:0015967.

gnomAD v4.1: 1 of 1,614,000 alleles (0.000062%); highest among the groups gnomAD compares: Non-Finnish European, 0.000085%; no homozygotes.

Submission:

ClinGen Monogenic Diabetes Variant Curation Expert Panel
Classification: Uncertain significance for Monogenic diabetes. Last evaluated: 2025-06-20. Review status: reviewed by expert panel. Criteria: ClinGen Diabetes ACMG Specifications HNF1A V2.1.0. Collection method: curation. Allele origin: germline. Inheritance: Autosomal dominant inheritance.
Comment: The c.1528G>A variant in the HNF1 homeobox A gene, HNF1A, causes an amino acid change of alanine to threonine at codon 510 (p.(Ala510Thr)) of NM_000545.8. This variant has a REVEL score of 0.615, which is between the ClinGen MDEP thresholds for BP4 and PP3, predicting neither a damaging nor benign impact on HNF1A function. This variant is absent from gnomAD v2.1.1 (PM2_Supporting). This variant was identified in an individual with a clinical history highly specific for HNF1A-monogenic diabetes (MODY probability calculator result >50%, negative genetic testing for HNF4A, and negative antibodies) (PP4_Moderate, internal lab contributors). In summary, c.1528G>A meets the criteria to be classified as a variant of uncertain signficance for monogenic diabetes. ACMG/AMP criteria applied, as specified by the ClinGen MDEP (specification version 2.1.0, approved 8/11/2023): PP4_Moderate, PM2_Supporting.

NM_000545.8(HNF1A):c.1528G>A (p.Ala510Thr)

Gene: HNF1A (HNF1 homeobox A; plus strand). Cytogenetic location: 12q24.31.
Variant type: single nucleotide variant.
Coding change: c.1528G>A on transcript NM_000545.8 (MANE Select); coding-DNA position 1528, G replaced by A.
Protein change: p.Ala510Thr; replaces alanine 510 with threonine.
Molecular consequence: missense variant.
Genome position (GRCh38, 1-based): chr12:120,999,294, G>A. VCF-style: chr12-120999294-G-A. GRCh37 (hg19) VCF-style: chr12-121437097-G-A.
Other names: NM_001306179.2:c.1528G>A; c.1528G>A, p.Ala510Thr (NM_001306179.2); c.1336G>A, p.Ala446Thr (NM_001406915.1); short protein forms A446T, A510T.
Identifiers: ClinVar variation 3906941 (VCV003906941.1).